The following is an entry in ClinVar:

NM_001267550.2(TTN):c.403G>A (p.Val135Met)

Gene: TTN (titin; minus strand). Cytogenetic location: 2q31.2.
Variant type: single nucleotide variant.
Coding change: c.403G>A on transcript NM_001267550.2 (MANE Select); coding-DNA position 403, G replaced by A.
Protein change: p.Val135Met; replaces valine 135 with methionine.
Molecular consequence: missense variant.
Genome position (GRCh38, 1-based): chr2:178,800,575, C>T on the plus strand (G>A on the coding strand, the complement: TTN is on the minus strand). VCF-style: chr2-178800575-C-T. GRCh37 (hg19) VCF-style: chr2-179665302-C-T.
Other names: c.403G>A, p.Val135Met (NM_001256850.1, NM_003319.4, NM_133378.4 and 3 more transcripts); short protein forms V135M.
Identifiers: ClinVar variation 2684090 (VCV002684090.1), dbSNP rs2534369507, ClinGen allele CA349528218.

ClinVar aggregate classification (germline): Uncertain significance (1 of 4 stars; one submission).

Allele frequency attached by ClinVar (database versions not stated): gnomAD exomes below 0.00001.
gnomAD v4.1: 1 of 1,614,110 alleles (0.000062%); highest among the groups gnomAD compares: Non-Finnish European, 0.000085%; no homozygotes.

Submission:

Athena Diagnostics
Classification: Uncertain significance. Last evaluated: 2023-03-09. Review status: criteria provided, single submitter. Criteria: Athena Diagnostics Criteria. Collection method: clinical testing. Allele origin: unknown.
Comment: Available data are insufficient to determine the clinical significance of the variant at this time. This variant has not been reported in large, multi-ethnic general populations. Computational tools predict that this variant is damaging.